The following is an entry in ClinVar:

ClinVar aggregate classification (germline): Likely benign. Review status: criteria provided, single submitter (1 of 4 stars). 2 submissions from 2 submitters: Likely benign (1). 1 of the submissions does not count toward it. Last evaluated 2018-06-15.

Conditions:
PLXNA3-related disorder. Also called: PLXNA3-related condition.

Allele frequency attached by ClinVar (database versions not stated): TOPMed 0.00005; gnomAD 0.00006; ESP Exome Variant Server 0.00009; gnomAD exomes 0.00010; ExAC 0.00015; 1000 Genomes Project 30x 0.00021; 1000 Genomes Project 0.00026.
gnomAD v4.1: 157 of 1,195,889 alleles (0.013%); highest among the groups gnomAD compares: East Asian, 0.03%; no homozygotes.

Submissions (2):

Labcorp Genetics (formerly Invitae), Labcorp
Classification: Likely benign. Last evaluated: 2018-06-15. Review status: criteria provided, single submitter. Criteria: Invitae Variant Classification Sherloc (09022015). Collection method: clinical testing. Allele origin: germline.

PreventionGenetics, part of Exact Sciences
Classification: Likely benign for PLXNA3-related condition. Last evaluated: 2021-12-10. Review status: no assertion criteria provided. Collection method: clinical testing. Allele origin: germline. Not counted in ClinVar's aggregate classification.
Comment: This variant is classified as likely benign based on ACMG/AMP sequence variant interpretation guidelines (Richards et al. 2015 PMID: 25741868, with internal and published modifications).

NM_017514.5(PLXNA3):c.5598C>T (p.Leu1866=)

Gene: PLXNA3 (plexin A3; plus strand). Cytogenetic location: Xq28.
Variant type: single nucleotide variant.
Coding change: c.5598C>T on transcript NM_017514.5 (MANE Select); coding-DNA position 5598, C replaced by T.
Protein change: p.Leu1866=; no amino-acid change (leucine 1866 retained).
Molecular consequence: synonymous variant.
Genome position (GRCh38, 1-based): chrX:154,472,667, C>T. VCF-style: chrX-154472667-C-T. GRCh37 (hg19) VCF-style: chrX-153701010-C-T.
Identifiers: ClinVar variation 752968 (VCV000752968.5), dbSNP rs190675077, ClinGen allele CA10565163.